The following is an entry in ClinVar:

NM_000051.4(ATM):c.3108C>G (p.Phe1036Leu)

Gene: ATM (ATM serine/threonine kinase; plus strand). Cytogenetic location: 11q22.3.
Variant type: single nucleotide variant.
Coding change: c.3108C>G on transcript NM_000051.4 (MANE Select); coding-DNA position 3108, C replaced by G.
Protein change: p.Phe1036Leu; replaces phenylalanine 1036 with leucine.
Molecular consequence: missense variant.
Genome position (GRCh38, 1-based): chr11:108,272,562, C>G. VCF-style: chr11-108272562-C-G. GRCh37 (hg19) VCF-style: chr11-108143289-C-G.
Other names: c.3108C>G, p.Phe1036Leu (NM_001351834.2); short protein forms F1036L.
Identifiers: ClinVar variation 1727708 (VCV001727708.2), dbSNP rs867514913, ClinGen allele CA382515149.

ClinVar aggregate classification (germline): Uncertain significance (1 of 4 stars; one submission).

Conditions:
Hereditary cancer-predisposing syndrome. Also called: Tumor predisposition; Neoplastic Syndromes, Hereditary; Hereditary Cancer Syndrome; Hereditary neoplastic syndrome. Identifiers: Orphanet 140162, MedGen C0027672, MeSH D009386, MONDO:0015356.

Submission:

Ambry Genetics
Classification: Uncertain significance for Hereditary cancer-predisposing syndrome. Last evaluated: 2020-12-04. Review status: criteria provided, single submitter. Criteria: Ambry Variant Classification Scheme 2023. Collection method: clinical testing. Allele origin: germline.
Comment: The p.F1036L variant (also known as c.3108C>G), located in coding exon 20 of the ATM gene, results from a C to G substitution at nucleotide position 3108. The phenylalanine at codon 1036 is replaced by leucine, an amino acid with highly similar properties. This amino acid position is not well conserved in available vertebrate species. In addition, this alteration is predicted to be tolerated by in silico analysis. Since supporting evidence is limited at this time, the clinical significance of this alteration remains unclear.